The following is an entry in ClinVar:

ClinVar aggregate classification (germline): Uncertain significance. Review status: criteria provided, multiple submitters, no conflicts (2 of 4 stars). 2 submissions from 2 submitters: Uncertain significance (2). Last evaluated 2026-08-28.

Conditions:
WFS1-related disorder. Identifiers: MedGen CN379391, MONDO:0700293.

Allele frequency attached by ClinVar (database versions not stated): TOPMed below 0.00001; gnomAD 0.00001; gnomAD exomes 0.00001.
gnomAD v4.1: 8 of 1,612,570 alleles (0.0005%); highest among the groups gnomAD compares: East Asian, 0.0022%; no homozygotes.

Submissions (2):

PreventionGenetics, part of Exact Sciences
Classification: Uncertain significance for WFS1-related condition. Last evaluated: 2026-08-28. Review status: criteria provided, single submitter. Criteria: ACMG Guidelines, 2015. Collection method: clinical testing. Allele origin: germline.
Comment: The WFS1 c.478G>A variant is predicted to result in the amino acid substitution p.Glu160Lys. This variant has been reported in an individual with maturity-onset diabetes of the young (Table 1, Rafique et al. 2021. PubMed ID: 34888019). This variant is reported in 0.00088% of alleles in individuals of European (Non-Finnish) descent in gnomAD. At this time, the clinical significance of this variant is uncertain due to the absence of conclusive functional and genetic evidence.

Labcorp Genetics (formerly Invitae), Labcorp
Classification: Uncertain significance. Last evaluated: 2023-07-03. Review status: criteria provided, single submitter. Criteria: Invitae Variant Classification Sherloc (09022015). Collection method: clinical testing. Allele origin: germline.
Comment: Advanced modeling of protein sequence and biophysical properties (such as structural, functional, and spatial information, amino acid conservation, physicochemical variation, residue mobility, and thermodynamic stability) performed at Invitae indicates that this missense variant is not expected to disrupt WFS1 protein function. In summary, the available evidence is currently insufficient to determine the role of this variant in disease. Therefore, it has been classified as a Variant of Uncertain Significance. This missense change has been observed in individual(s) with WFS1-related conditions (PMID: 34888019). This sequence change replaces glutamic acid, which is acidic and polar, with lysine, which is basic and polar, at codon 160 of the WFS1 protein (p.Glu160Lys). This variant is present in population databases (no rsID available, gnomAD 0.0009%).

Literature cited by the submitters: PubMed 34888019 (cited by Labcorp Genetics (formerly Invitae), Labcorp).

NM_006005.3(WFS1):c.478G>A (p.Glu160Lys)

Gene: WFS1 (wolframin ER transmembrane glycoprotein; plus strand). Cytogenetic location: 4p16.1.
Variant type: single nucleotide variant.
Coding change: c.478G>A on transcript NM_006005.3 (MANE Select); coding-DNA position 478, G replaced by A.
Protein change: p.Glu160Lys; replaces glutamic acid 160 with lysine.
Molecular consequence: missense variant.
Genome position (GRCh38, 1-based): chr4:6,291,214, G>A. VCF-style: chr4-6291214-G-A. GRCh37 (hg19) VCF-style: chr4-6292941-G-A.
Other names: c.478G>A, p.Glu160Lys (NM_001145853.1); short protein forms E160K.
Identifiers: ClinVar variation 3015537 (VCV003015537.6), dbSNP rs1465218377, ClinGen allele CA356171863.